The following is an entry in ClinVar:

ClinVar aggregate classification (germline): Uncertain significance. Review status: criteria provided, multiple submitters, no conflicts (2 of 4 stars). 3 submissions from 3 submitters: Uncertain significance (3). Last evaluated 2024-07-16.

Conditions:
Cardiovascular phenotype. Identifiers: MedGen CN230736.
Ehlers-Danlos syndrome, classic type, 1 (EDSCL1). Also called: EHLERS-DANLOS SYNDROME, GRAVIS TYPE; EHLERS-DANLOS SYNDROME, SEVERE CLASSIC TYPE; Ehlers-Danlos syndrome, type 1; Ehlers-Danlos Syndrome, Classic Type, COL5A1-Related; EDS I. Identifiers: MedGen C0268335, MONDO:0019567, OMIM 130000.
Osteogenesis imperfecta type I (OI1). Also called: OI, TYPE I; OSTEOGENESIS IMPERFECTA TARDA; OSTEOGENESIS IMPERFECTA WITH BLUE SCLERAE; Osteogenesis imperfecta type 1; Lobstein's Disease; Lobstein disease. Identifiers: Orphanet 216796, Orphanet 666, MedGen C0023931, MONDO:0008146, OMIM 166200. Disease mechanism: loss of function.
Ehlers-Danlos syndrome (EDS). Identifiers: Orphanet 98249, MedGen C0013720, MONDO:0020066.

Allele frequency attached by ClinVar (database versions not stated): gnomAD exomes below 0.00001.
gnomAD v4.1: 1 of 1,614,024 alleles (0.000062%); highest among the groups gnomAD compares: Non-Finnish European, 0.000085%; no homozygotes.

Submissions (3):

Ambry Genetics
Classification: Uncertain significance for Cardiovascular phenotype. Last evaluated: 2024-07-16. Review status: criteria provided, single submitter. Criteria: Ambry Variant Classification Scheme 2023. Collection method: clinical testing. Allele origin: germline.
Comment: The p.R819C variant (also known as c.2455C>T), located in coding exon 40 of the COL1A2 gene, results from a C to T substitution at nucleotide position 2455. The arginine at codon 819 is replaced by cysteine, an amino acid with highly dissimilar properties. This amino acid position is well conserved in available vertebrate species. In addition, this alteration is predicted to be deleterious by in silico analysis. Based on the available evidence, the clinical significance of this variant remains unclear.

Labcorp Genetics (formerly Invitae), Labcorp
Classification: Uncertain significance for Osteogenesis imperfecta type I; Ehlers-Danlos syndrome, classic type, 1. Last evaluated: 2024-03-17. Review status: criteria provided, single submitter. Criteria: Invitae Variant Classification Sherloc (09022015). Collection method: clinical testing. Allele origin: germline.
Comment: This sequence change replaces arginine, which is basic and polar, with cysteine, which is neutral and slightly polar, at codon 819 of the COL1A2 protein (p.Arg819Cys). This variant is not present in population databases (gnomAD no frequency). This variant has not been reported in the literature in individuals affected with COL1A2-related conditions. ClinVar contains an entry for this variant (Variation ID: 1519363). Advanced modeling of protein sequence and biophysical properties (such as structural, functional, and spatial information, amino acid conservation, physicochemical variation, residue mobility, and thermodynamic stability) performed at Invitae indicates that this missense variant is expected to disrupt COL1A2 protein function with a positive predictive value of 80%. In summary, the available evidence is currently insufficient to determine the role of this variant in disease. Therefore, it has been classified as a Variant of Uncertain Significance.

Genome Diagnostics Laboratory, The Hospital for Sick Children
Classification: Uncertain significance for Ehlers-Danlos syndrome. Last evaluated: 2021-05-14. Review status: criteria provided, single submitter. Criteria: ACMG Guidelines, 2015. Collection method: clinical testing. Allele origin: germline.

NM_000089.4(COL1A2):c.2455C>T (p.Arg819Cys)

Gene: COL1A2 (collagen type I alpha 2 chain; plus strand). Cytogenetic location: 7q21.3.
Variant type: single nucleotide variant.
Coding change: c.2455C>T on transcript NM_000089.4 (MANE Select); coding-DNA position 2455, C replaced by T.
Protein change: p.Arg819Cys; replaces arginine 819 with cysteine.
Molecular consequence: missense variant.
Genome position (GRCh38, 1-based): chr7:94,423,008, C>T. VCF-style: chr7-94423008-C-T. GRCh37 (hg19) VCF-style: chr7-94052320-C-T.
Other names: short protein forms R819C.
Identifiers: ClinVar variation 1519363 (VCV001519363.12), dbSNP rs2115941044, ClinGen allele CA368223968.